The following is an entry in ClinVar:

ClinVar aggregate classification (germline): Likely benign. Review status: criteria provided, single submitter (1 of 4 stars). 2 submissions from 2 submitters: Likely benign (1). 1 of the submissions does not count toward it. Last evaluated 2025-10-16.

Conditions:
COL4A1-related disorder. Also called: COL4A1-related disorders; COL4A1-related condition. Identifiers: MedGen CN376119, MONDO:0800461.

gnomAD v4.1: 129 of 1,468,794 alleles (0.0088%); highest among the groups gnomAD compares: Non-Finnish European, 0.011%; no homozygotes.

Submissions (2):

Labcorp Genetics (formerly Invitae), Labcorp
Classification: Likely benign. Last evaluated: 2025-10-16. Review status: criteria provided, single submitter. Criteria: Invitae Variant Classification Sherloc (09022015). Collection method: clinical testing. Allele origin: germline.

PreventionGenetics, part of Exact Sciences
Classification: Likely benign for COL4A1-related condition. Last evaluated: 2024-01-30. Review status: no assertion criteria provided. Collection method: clinical testing. Allele origin: germline. Not counted in ClinVar's aggregate classification.
Comment: This variant is classified as likely benign based on ACMG/AMP sequence variant interpretation guidelines (Richards et al. 2015 PMID: 25741868, with internal and published modifications).

NM_001845.6(COL4A1):c.84+9C>G

Gene: COL4A1 (collagen type IV alpha 1 chain; minus strand). Cytogenetic location: 13q34.
Variant type: single nucleotide variant.
Coding change: c.84+9C>G on transcript NM_001845.6 (MANE Select); 9 bases into the intron after coding-DNA position 84, C replaced by G.
Molecular consequence: intron variant.
Genome position (GRCh38, 1-based): chr13:110,306,935, G>C on the plus strand (C>G on the coding strand, the complement: COL4A1 is on the minus strand). VCF-style: chr13-110306935-G-C. GRCh37 (hg19) VCF-style: chr13-110959282-G-C.
Other names: c.84+9C>G (NM_001303110.2, NM_001845.5).
Identifiers: ClinVar variation 1590065 (VCV001590065.10), dbSNP rs772306069, ClinGen allele CA256274268.